The following is an entry in ClinVar:

ClinVar aggregate classification (germline): Uncertain significance (1 of 4 stars; one submission).

Submission:

CeGaT Center for Human Genetics Tuebingen
Classification: Uncertain significance. Last evaluated: 2026-08-01. Review status: criteria provided, single submitter. Criteria: CeGaT Center For Human Genetics Tuebingen Variant Classification Criteria Version 2. Collection method: clinical testing. Allele origin: germline. Affected: yes. Observed: 1 variant allele.
Comment: POLR3B: PM2:Supporting, BP4

NM_018082.6(POLR3B):c.2874C>T (p.Phe958=)

Genes: POLR3B (RNA polymerase III subunit B; plus strand), RFX4-AS1 (RFX4 antisense RNA 1; minus strand). Cytogenetic location: 12q23.3.
Variant type: single nucleotide variant.
Coding change: c.2874C>T on transcript NM_018082.6 (MANE Select); coding-DNA position 2874, C replaced by T.
Protein change: p.Phe958=; no amino-acid change (phenylalanine 958 retained).
Molecular consequence: synonymous variant.
Genome position (GRCh38, 1-based): chr12:106,496,808, C>T. VCF-style: chr12-106496808-C-T. GRCh37 (hg19) VCF-style: chr12-106890586-C-T.
Other names: c.2700C>T, p.Phe900= (NM_001160708.2).
Identifiers: ClinVar variation 5039702 (VCV005039702.1).